The following is an entry in ClinVar:

NM_001039591.3(USP9X):c.3081A>C (p.Leu1027Phe)

Gene: USP9X (ubiquitin specific peptidase 9 X-linked; plus strand). Cytogenetic location: Xp11.4.
Variant type: single nucleotide variant.
Coding change: c.3081A>C on transcript NM_001039591.3 (MANE Select); coding-DNA position 3081, A replaced by C.
Protein change: p.Leu1027Phe; replaces leucine 1027 with phenylalanine.
Molecular consequence: missense variant.
Genome position (GRCh38, 1-based): chrX:41,171,891, A>C. VCF-style: chrX-41171891-A-C. GRCh37 (hg19) VCF-style: chrX-41031144-A-C.
Other names: c.3081A>C, p.Leu1027Phe (NM_001039590.3); c.3096A>C, p.Leu1032Phe (NM_001410748.1, NM_001410749.1); short protein forms L1027F, L1032F.
Identifiers: ClinVar variation 3372948 (VCV003372948.1).

ClinVar aggregate classification (germline): Uncertain significance (1 of 4 stars; one submission).

Submission:

GeneDx
Classification: Uncertain significance. Last evaluated: 2024-04-30. Review status: criteria provided, single submitter. Criteria: GeneDx Variant Classification Process June 2021. Collection method: clinical testing. Allele origin: germline. Affected: yes.
Comment: Not observed at significant frequency in large population cohorts (gnomAD); In silico analysis supports that this missense variant has a deleterious effect on protein structure/function; Has not been previously published as pathogenic or benign to our knowledge